The following is an entry in ClinVar:

ClinVar aggregate classification (germline): Uncertain significance (1 of 4 stars; one submission).

Conditions:
Intellectual developmental disorder, autosomal dominant 70. Identifiers: MedGen C5774271, MONDO:0859333, OMIM 620157.

Submission:

Neuberg Centre For Genomic Medicine, NCGM
Classification: Uncertain significance for Intellectual developmental disorder, autosomal dominant 70. Last evaluated: 2023-05-20. Review status: criteria provided, single submitter. Criteria: ACMG Guidelines, 2015. Collection method: clinical testing. Allele origin: germline. Inheritance: Autosomal dominant inheritance. Affected: yes.
Comment: The observed missense c.3169G>A(p.Asp1057Asn) variant in SETD2 gene has not been reported previously as a pathogenic variant nor as a benign variant, to our knowledge. This variant is absent in gnomAD Exomes. The amino acid Asp at position 1057 is changed to a Asn changing protein sequence and it might alter its composition and physico-chemical properties. The amino acid change p.Asp1057Asn in SETD2 is predicted as conserved by GERP++ and PhyloP across 100 vertebrates. Multiple lines of computational evidence (Polyphen - Damaging, SIFT - Damaging, and MutationTaster - Disease causing) predict a damaging effect on protein structure and function for this variant. For these reasons, this variant has been classified as Uncertain Significance.

NM_014159.7(SETD2):c.3169G>A (p.Asp1057Asn)

Gene: SETD2 (SET domain containing 2, histone lysine methyltransferase; minus strand). Cytogenetic location: 3p21.31.
Variant type: single nucleotide variant.
Coding change: c.3169G>A on transcript NM_014159.7 (MANE Select); coding-DNA position 3169, G replaced by A.
Protein change: p.Asp1057Asn; replaces aspartic acid 1057 with asparagine.
Molecular consequence: missense variant. On other transcripts: non-coding transcript variant (1).
Genome position (GRCh38, 1-based): chr3:47,121,467, C>T on the plus strand (G>A on the coding strand, the complement: SETD2 is on the minus strand). VCF-style: chr3-47121467-C-T. GRCh37 (hg19) VCF-style: chr3-47162957-C-T.
Other names: c.3037G>A, p.Asp1013Asn (NM_001349370.3); short protein forms D1013N, D1057N.
Identifiers: ClinVar variation 3341384 (VCV003341384.1).
Genomic context (GRCh38, chr3:47,121,467, plus strand): 5'-TAGAATTCTTTGGCACAACCACAACAGACTGGAGACGGTTTCTTGGAATACTGCTATCAT[C>T]CGAATCTGTATCTTCTGAATCACTTTCATCATTTGAACTTTCAGAAGAGCCAGAATAATC-3'
Protein context (NP_054878.5, residues 1047-1067): DESDSEDTDS[Asp1057Asn]DSSIPRNRLQ